The following is an entry in ClinVar:

ClinVar aggregate classification (germline): Benign/Likely benign. Review status: criteria provided, multiple submitters, no conflicts (2 of 4 stars). 2 submissions from 2 submitters: Benign (1); Likely benign (1). Last evaluated 2025-06-04.

Conditions:
Left ventricular noncompaction 1 (LVNC1). Also called: LEFT VENTRICULAR NONCOMPACTION 1 WITH OR WITHOUT CONGENITAL HEART DEFECTS. Identifiers: Orphanet 54260, MedGen C1858725, MONDO:0011403, OMIM 604169.

Allele frequency attached by ClinVar (database versions not stated): gnomAD 0.00001 and 0.00002; TOPMed 0.00003; ExAC 0.00008; gnomAD exomes 0.00009.
gnomAD v4.1: 33 of 1,613,312 alleles (0.002%); highest among the groups gnomAD compares: Admixed American, 0.053%; 1 homozygote.

Submissions (2):

Labcorp Genetics (formerly Invitae), Labcorp
Classification: Benign for Left ventricular noncompaction 1. Last evaluated: 2025-06-04. Review status: criteria provided, single submitter. Criteria: Invitae Variant Classification Sherloc (09022015). Collection method: clinical testing. Allele origin: germline.

GeneDx
Classification: Likely benign. Last evaluated: 2018-01-16. Review status: criteria provided, single submitter. Criteria: GeneDx Variant Classification (06012015). Collection method: clinical testing. Allele origin: germline. Affected: yes.
Comment: This variant is considered likely benign or benign based on one or more of the following criteria: it is a conservative change, it occurs at a poorly conserved position in the protein, it is predicted to be benign by multiple in silico algorithms, and/or has population frequency not consistent with disease.

NM_001386795.1(DTNA):c.2295+15G>A

Gene: DTNA (dystrobrevin alpha; plus strand). Cytogenetic location: 18q12.1.
Variant type: single nucleotide variant.
Coding change: c.2295+15G>A on transcript NM_001386795.1 (MANE Select); 15 bases into the intron after coding-DNA position 2295, G replaced by A.
Molecular consequence: intron variant.
Genome position (GRCh38, 1-based): chr18:34,882,216, G>A. VCF-style: chr18-34882216-G-A. GRCh37 (hg19) VCF-style: chr18-32462180-G-A.
Other names: c.2034+15G>A (NM_001386766.1, NM_001386767.1, NM_001386753.1 and 5 more transcripts); c.2031+15G>A (NM_001386769.1, NM_001386768.1); c.2214+15G>A (NM_001390.5); c.1284+15G>A (NM_001198943.1); c.1341+15G>A (NM_001198942.1); c.1170+15G>A (NM_001198944.1); c.1158+15G>A (NM_032980.4); c.2043+15G>A (NM_032975.4, NM_001386761.1); and 5 more.
Identifiers: ClinVar variation 514860 (VCV000514860.8), dbSNP rs756945985, ClinGen allele CA8935979.
Genomic context (GRCh38, chr18:34,882,216, plus strand): 5'-GATGGAGGAATACCTGAAACAGAAGCTGCAAGATGAAGCTTATCAGGTACAGGGATCCAG[G>A]CCCACCCCACCCCACCTCTTCTGCCTCAACCCCTTGGTAGCTGGGTCTTTGACATGACTT-3'